The following is an entry in ClinVar:

ClinVar aggregate classification (germline): Benign (0 of 4 stars; one submission).

Conditions:
CAPN10-related disorder. Also called: CAPN10-related condition; CAPN10-related disorders.

Allele frequency attached by ClinVar (database versions not stated): TOPMed 0.11363; 1000 Genomes Project 30x 0.11571; 1000 Genomes Project 0.11761; ESP Exome Variant Server 0.12442; gnomAD 0.12564; ExAC 0.18230.
gnomAD v4.1: 254,633 of 1,608,754 alleles (16%); highest among the groups gnomAD compares: South Asian, 19%; 21,358 homozygotes.

Submission:

PreventionGenetics, part of Exact Sciences
Classification: Benign for CAPN10-related condition. Last evaluated: 2019-10-17. Review status: no assertion criteria provided. Collection method: clinical testing. Allele origin: germline.
Comment: This variant is classified as benign based on ACMG/AMP sequence variant interpretation guidelines (Richards et al. 2015 PMID: 25741868, with internal and published modifications).

NM_023083.4(CAPN10):c.600A>G (p.Pro200=)

Gene: CAPN10 (calpain 10; plus strand). Cytogenetic location: 2q37.3.
Variant type: single nucleotide variant.
Coding change: c.600A>G on transcript NM_023083.4 (MANE Select); coding-DNA position 600, A replaced by G.
Protein change: p.Pro200=; no amino-acid change (proline 200 retained).
Molecular consequence: synonymous variant.
Genome position (GRCh38, 1-based): chr2:240,592,062, A>G. VCF-style: chr2-240592062-A-G. GRCh37 (hg19) VCF-style: chr2-241531479-A-G.
Other names: c.600A>G, p.Pro200= (NM_023085.4).
Identifiers: ClinVar variation 3056633 (VCV003056633.2), dbSNP rs3792269, ClinGen allele CA2205536.